The following is an entry in ClinVar:

ClinVar aggregate classification (germline): Uncertain significance (1 of 4 stars; one submission).

Conditions:
Autosomal recessive polycystic kidney disease (ARPKD). Also called: AR polycystic kidney disease. Identifiers: Orphanet 731, Orphanet 8378, MedGen C0085548, MeSH D017044, MONDO:0009889.

gnomAD v4.1: 1 of 1,610,456 alleles (0.000062%); highest among the groups gnomAD compares: Non-Finnish European, 0.000085%; no homozygotes.

Submission:

Labcorp Genetics (formerly Invitae), Labcorp
Classification: Uncertain significance for Autosomal recessive polycystic kidney disease. Last evaluated: 2022-03-07. Review status: criteria provided, single submitter. Criteria: Invitae Variant Classification Sherloc (09022015). Collection method: clinical testing. Allele origin: germline.
Comment: This sequence change replaces proline, which is neutral and non-polar, with serine, which is neutral and polar, at codon 1097 of the PKHD1 protein (p.Pro1097Ser). This variant is not present in population databases (gnomAD no frequency). This variant has not been reported in the literature in individuals affected with PKHD1-related conditions. Advanced modeling of protein sequence and biophysical properties (such as structural, functional, and spatial information, amino acid conservation, physicochemical variation, residue mobility, and thermodynamic stability) performed at Invitae indicates that this missense variant is not expected to disrupt PKHD1 protein function. In summary, the available evidence is currently insufficient to determine the role of this variant in disease. Therefore, it has been classified as a Variant of Uncertain Significance.

NM_138694.4(PKHD1):c.3289C>T (p.Pro1097Ser)

Gene: PKHD1 (PKHD1 ciliary IPT domain containing fibrocystin/polyductin; minus strand). Cytogenetic location: 6p12.2.
Variant type: single nucleotide variant.
Coding change: c.3289C>T on transcript NM_138694.4 (MANE Select); coding-DNA position 3289, C replaced by T.
Protein change: p.Pro1097Ser; replaces proline 1097 with serine.
Molecular consequence: missense variant.
Genome position (GRCh38, 1-based): chr6:52,033,105, G>A on the plus strand (C>T on the coding strand, the complement: PKHD1 is on the minus strand). VCF-style: chr6-52033105-G-A. GRCh37 (hg19) VCF-style: chr6-51897903-G-A.
Other names: c.3289C>T, p.Pro1097Ser (NM_170724.3); short protein forms P1097S.
Identifiers: ClinVar variation 1989129 (VCV001989129.1), dbSNP rs2532873692, ClinGen allele CA364441415.
Genomic context (GRCh38, chr6:52,033,105, plus strand): 5'-TGTTTCTGCTCAGAGTCACAATAACTGGATTTAAGGAAGAGACATATGTAAATGCTCTGG[G>A]AAGAACTGCAGAATAGTCCCCTCTGATCACAGTCACATTCACAATGCGTCCATCTTTCCC-3'
Protein context (NP_619639.3, residues 1087-1107): VIRGDYSAVL[Pro1097Ser]RAFTYVSSLN